The following is an entry in ClinVar:

NM_001374828.1(ARID1B):c.1523C>T (p.Ser508Leu)

Gene: ARID1B (AT-rich interaction domain 1B; plus strand). Cytogenetic location: 6q25.3.
Variant type: single nucleotide variant.
Coding change: c.1523C>T on transcript NM_001374828.1 (MANE Select); coding-DNA position 1523, C replaced by T.
Protein change: p.Ser508Leu; replaces serine 508 with leucine.
Molecular consequence: missense variant.
Genome position (GRCh38, 1-based): chr6:156,779,203, C>T. VCF-style: chr6-156779203-C-T. GRCh37 (hg19) VCF-style: chr6-157100337-C-T.
Other names: c.1274C>T, p.Ser425Leu (NM_001346813.1, NM_020732.3); c.1523C>T, p.Ser508Leu (NM_001371656.1, NM_001374820.1, NM_017519.3); c.1100C>T, p.Ser367Leu (NM_175863.2); short protein forms S425L, S367L, S508L.
Identifiers: ClinVar variation 2614112 (VCV002614112.3), dbSNP rs771908741, ClinGen allele CA4066750.
Genomic context (GRCh38, chr6:156,779,203, plus strand): 5'-TCGCCGGCCAGAACCAGCACCCGTCGGGGGCCACCCCGACCCTCAATCAGCTGCTCACCT[C>T]GCCCAGCCCCATGATGCGGAGCTACGGCGGCAGCTACCCCGAGTACAGCAGCCCCAGCGC-3'
Protein context (NP_001361757.1, residues 498-518): ATPTLNQLLT[Ser508Leu]PSPMMRSYGG

ClinVar aggregate classification (germline): Uncertain significance. Review status: criteria provided, multiple submitters, no conflicts (2 of 4 stars). 2 submissions from 2 submitters: Uncertain significance (2). Last evaluated 2024-05-03.

Conditions:
Inborn genetic diseases. Identifiers: MedGen C0950123, MeSH D030342.

Allele frequency attached by ClinVar (database versions not stated): gnomAD exomes below 0.00001.
gnomAD v4.1: 2 of 1,329,978 alleles (0.00015%); highest among the groups gnomAD compares: South Asian, 0.002%; no homozygotes.

Submissions (2):

Women's Health and Genetics/Laboratory Corporation of America, LabCorp
Classification: Uncertain significance. Last evaluated: 2024-05-03. Review status: criteria provided, single submitter. Criteria: LabCorp Variant Classification Summary - May 2015. Collection method: clinical testing. Allele origin: germline.
Comment: Variant summary: ARID1B c.1523C>T (p.Ser508Leu) results in a non-conservative amino acid change in the encoded protein sequence. Two of three in-silico tools predict a damaging effect of the variant on protein function. The frequency data for this variant in gnomAD is considered unreliable, as metrics indicate poor data quality at this position. To our knowledge, no occurrence of c.1523C>T in individuals affected with Coffin-Siris Syndrome 1 and no experimental evidence demonstrating its impact on protein function have been reported. ClinVar contains an entry for this variant (Variation ID: 2614112). Based on the evidence outlined above, the variant was classified as uncertain significance.

Ambry Genetics
Classification: Uncertain significance for Inborn genetic diseases. Last evaluated: 2023-07-25. Review status: criteria provided, single submitter. Criteria: Ambry Variant Classification Scheme 2023. Collection method: clinical testing. Allele origin: germline.